The following is an entry in ClinVar:

ClinVar aggregate classification (germline): Benign (1 of 4 stars; one submission).

Conditions:
POLD1-related polyposis and colorectal cancer syndrome (CRCS10). Also called: Colorectal cancer 10; COLORECTAL CANCER, SUSCEPTIBILITY TO, ON CHROMOSOME 19q; Colorectal cancer, susceptibility to, 10. Identifiers: Orphanet 220460, MedGen C2675481, MONDO:0012953, OMIM 612591.

Submission:

Myriad Genetics, Inc.
Classification: Benign for POLD1-related polyposis and colorectal cancer syndrome. Last evaluated: 2025-02-05. Review status: criteria provided, single submitter. Criteria: Myriad Autosomal Dominant, Autosomal Recessive and X-Linked Classification Criteria (2023). Collection method: clinical testing. Allele origin: unknown.
Comment: This variant is considered benign. This variant is a silent/synonymous amino acid change and it is not expected to impact splicing.

NM_002691.4(POLD1):c.993G>T (p.Arg331=)

Gene: POLD1 (DNA polymerase delta 1, catalytic subunit; plus strand). Cytogenetic location: 19q13.33.
Variant type: single nucleotide variant.
Coding change: c.993G>T on transcript NM_002691.4 (MANE Select); coding-DNA position 993, G replaced by T.
Protein change: p.Arg331=; no amino-acid change (arginine 331 retained).
Molecular consequence: synonymous variant. On other transcripts: non-coding transcript variant (1).
Genome position (GRCh38, 1-based): chr19:50,403,075, G>T. VCF-style: chr19-50403075-G-T. GRCh37 (hg19) VCF-style: chr19-50906332-G-T.
Other names: c.993G>T, p.Arg331= (NM_001256849.1, NM_001308632.1).
Identifiers: ClinVar variation 3904246 (VCV003904246.1).
Genomic context (GRCh38, chr19:50,403,075, plus strand): 5'-GGGCAGGAGTCAGGCCCCTGCATCCTCCTGCCTCGCAGGCATCTTCCCTGAGCCTGAGCG[G>T]GACCCTGTCATCCAGATCTGCTCGCTGGGCCTGCGCTGGGGGGAGCCGGAGCCCTTCCTA-3'
Protein context (NP_002682.2, residues 321-341): GRKGIFPEPE[Arg331=]DPVIQICSLG